The following is an entry in ClinVar:

ClinVar aggregate classification (germline): Likely benign (1 of 4 stars; one submission).

Conditions:
DGUOK-related disorder. Also called: DGUOK-related condition.

Submission:

PreventionGenetics, part of Exact Sciences
Classification: Likely benign for DGUOK-related condition. Last evaluated: 2026-02-03. Review status: criteria provided, single submitter. Criteria: ACMG Guidelines, 2015. Collection method: clinical testing. Allele origin: germline.
Comment: This variant is classified as likely benign based on ACMG/AMP sequence variant interpretation guidelines (Richards et al. 2015 PMID: 25741868, with internal and published modifications).

NM_080916.3(DGUOK):c.45C>T (p.Phe15=)

Genes: DGUOK (deoxyguanosine kinase; plus strand), LOC129934096 (ATAC-STARR-seq lymphoblastoid active region 16036; plus strand). Cytogenetic location: 2p13.1.
Variant type: single nucleotide variant.
Coding change: c.45C>T on transcript NM_080916.3 (MANE Select); coding-DNA position 45, C replaced by T.
Protein change: p.Phe15=; no amino-acid change (phenylalanine 15 retained).
Molecular consequence: synonymous variant. On other transcripts: 5 prime UTR variant (4), non-coding transcript variant (6).
Genome position (GRCh38, 1-based): chr2:73,926,955, C>T. VCF-style: chr2-73926955-C-T. GRCh37 (hg19) VCF-style: chr2-74154082-C-T.
Other names: c.45C>T, p.Phe15= (NM_001318859.2, NM_080918.3); c.-134C>T (NM_001318860.2, NM_001318863.2); c.-220C>T (NM_001318861.2, NM_001318862.2).
Identifiers: ClinVar variation 4996067 (VCV004996067.1).